The following is an entry in ClinVar:

NM_018082.6(POLR3B):c.2581G>A (p.Ala861Thr)

Gene: POLR3B (RNA polymerase III subunit B; plus strand). Cytogenetic location: 12q23.3.
Variant type: single nucleotide variant.
Coding change: c.2581G>A on transcript NM_018082.6 (MANE Select); coding-DNA position 2581, G replaced by A.
Protein change: p.Ala861Thr; replaces alanine 861 with threonine.
Molecular consequence: missense variant.
Genome position (GRCh38, 1-based): chr12:106,463,488, G>A. VCF-style: chr12-106463488-G-A. GRCh37 (hg19) VCF-style: chr12-106857266-G-A.
Other names: c.2407G>A, p.Ala803Thr (NM_001160708.2); short protein forms A803T, A861T.
Identifiers: ClinVar variation 2413024 (VCV002413024.3), dbSNP rs1264925586, ClinGen allele CA386390649.

ClinVar aggregate classification (germline): Uncertain significance (1 of 4 stars; one submission).

Allele frequency attached by ClinVar (database versions not stated): gnomAD exomes 0.00001.
gnomAD v4.1: 18 of 1,613,418 alleles (0.0011%); highest among the groups gnomAD compares: Non-Finnish European, 0.0015%; no homozygotes.

Submission:

GeneDx
Classification: Uncertain significance. Last evaluated: 2022-07-14. Review status: criteria provided, single submitter. Criteria: GeneDx Variant Classification Process June 2021. Collection method: clinical testing. Allele origin: germline. Affected: yes.
Comment: Not observed at significant frequency in large population cohorts (gnomAD); In silico analysis supports that this missense variant does not alter protein structure/function; Has not been previously published as pathogenic or benign to our knowledge